The following is an entry in ClinVar:

ClinVar aggregate classification (germline): Uncertain significance. Review status: criteria provided, multiple submitters, no conflicts (2 of 4 stars). 2 submissions from 2 submitters: Uncertain significance (2). Last evaluated 2025-10-13.

Allele frequency attached by ClinVar (database versions not stated): gnomAD 0.00001; ExAC 0.00002; gnomAD exomes below 0.00001.
gnomAD v4.1: 8 of 1,613,888 alleles (0.0005%); highest among the groups gnomAD compares: South Asian, 0.0088%; no homozygotes.

Submissions (2):

Labcorp Genetics (formerly Invitae), Labcorp
Classification: Uncertain significance. Last evaluated: 2025-10-13. Review status: criteria provided, single submitter. Criteria: Invitae Variant Classification Sherloc (09022015). Collection method: clinical testing. Allele origin: germline.
Comment: This sequence change replaces valine, which is neutral and non-polar, with alanine, which is neutral and non-polar, at codon 1306 of the NPAT protein (p.Val1306Ala). This variant is present in population databases (rs759810136, gnomAD 0.01%). This variant has not been reported in the literature in individuals affected with NPAT-related conditions. ClinVar contains an entry for this variant (Variation ID: 2979686). An algorithm developed to predict the effect of missense changes on protein structure and function (PolyPhen-2) suggests that this variant is likely to be tolerated. In summary, the available evidence is currently insufficient to determine the role of this variant in disease. Therefore, it has been classified as a Variant of Uncertain Significance.

Ambry Genetics
Classification: Uncertain significance. Last evaluated: 2024-09-11. Review status: criteria provided, single submitter. Criteria: Ambry Variant Classification Scheme 2023. Collection method: clinical testing. Allele origin: germline.

NM_002519.3(NPAT):c.3917T>C (p.Val1306Ala)

Gene: NPAT (nuclear protein, coactivator of histone transcription; minus strand). Cytogenetic location: 11q22.3.
Variant type: single nucleotide variant.
Coding change: c.3917T>C on transcript NM_002519.3 (MANE Select); coding-DNA position 3917, T replaced by C.
Protein change: p.Val1306Ala; replaces valine 1306 with alanine.
Molecular consequence: missense variant.
Genome position (GRCh38, 1-based): chr11:108,161,169, A>G on the plus strand (T>C on the coding strand, the complement: NPAT is on the minus strand). VCF-style: chr11-108161169-A-G. GRCh37 (hg19) VCF-style: chr11-108031896-A-G.
Other names: c.3917T>C (NM_002519.2); c.3938T>C, p.Val1313Ala (NM_001321307.1); short protein forms V1313A, V1306A.
Identifiers: ClinVar variation 2979686 (VCV002979686.4), dbSNP rs759810136, ClinGen allele CA6263502.